The following is an entry in ClinVar:

ClinVar aggregate classification (germline): Uncertain significance. Review status: criteria provided, multiple submitters, no conflicts (2 of 4 stars). 2 submissions from 2 submitters: Uncertain significance (2). Last evaluated 2024-09-20.

Conditions:
Noonan syndrome 8 (NS8). Identifiers: Orphanet 648, MedGen C3809233, MONDO:0014143, OMIM 615355.
Cardiovascular phenotype. Identifiers: MedGen CN230736.

Allele frequency attached by ClinVar (database versions not stated): gnomAD exomes below 0.00001; TOPMed below 0.00001.
gnomAD v4.1: 3 of 1,614,148 alleles (0.00019%); highest among the groups gnomAD compares: Non-Finnish European, 0.00025%; no homozygotes.

Submissions (2):

Ambry Genetics
Classification: Uncertain significance for Cardiovascular phenotype. Last evaluated: 2024-09-20. Review status: criteria provided, single submitter. Criteria: Ambry Variant Classification Scheme 2023. Collection method: clinical testing. Allele origin: germline.
Comment: The p.R206S variant (also known as c.618G>C), located in coding exon 5 of the RIT1 gene, results from a G to C substitution at nucleotide position 618. The arginine at codon 206 is replaced by serine, an amino acid with dissimilar properties. This amino acid position is conserved. In addition, this alteration is predicted to be tolerated by in silico analysis. Based on the available evidence, the clinical significance of this variant remains unclear.

Labcorp Genetics (formerly Invitae), Labcorp
Classification: Uncertain significance for Noonan syndrome 8. Last evaluated: 2022-03-08. Review status: criteria provided, single submitter. Criteria: Invitae Variant Classification Sherloc (09022015). Collection method: clinical testing. Allele origin: germline.
Comment: In summary, the available evidence is currently insufficient to determine the role of this variant in disease. Therefore, it has been classified as a Variant of Uncertain Significance. Advanced modeling of protein sequence and biophysical properties (such as structural, functional, and spatial information, amino acid conservation, physicochemical variation, residue mobility, and thermodynamic stability) performed at Invitae indicates that this missense variant is not expected to disrupt RIT1 protein function. This variant has not been reported in the literature in individuals affected with RIT1-related conditions. This variant is not present in population databases (gnomAD no frequency). This sequence change replaces arginine, which is basic and polar, with serine, which is neutral and polar, at codon 206 of the RIT1 protein (p.Arg206Ser).

NM_006912.6(RIT1):c.618G>C (p.Arg206Ser)

Gene: RIT1 (Ras like without CAAX 1; minus strand). Cytogenetic location: 1q22.
Variant type: single nucleotide variant.
Coding change: c.618G>C on transcript NM_006912.6 (MANE Select); coding-DNA position 618, G replaced by C.
Protein change: p.Arg206Ser; replaces arginine 206 with serine.
Molecular consequence: missense variant.
Genome position (GRCh38, 1-based): chr1:155,900,430, C>G on the plus strand (G>C on the coding strand, the complement: RIT1 is on the minus strand). VCF-style: chr1-155900430-C-G. GRCh37 (hg19) VCF-style: chr1-155870221-C-G.
Other names: c.618G>C (NM_006912.4); c.510G>C, p.Arg170Ser (NM_001256820.2); c.669G>C, p.Arg223Ser (NM_001256821.2); short protein forms R206S, R170S, R223S.
Identifiers: ClinVar variation 1972860 (VCV001972860.6), dbSNP rs1673288777, ClinGen allele CA342800758.